The following is an entry in ClinVar:

ClinVar aggregate classification (germline): Uncertain significance. Review status: criteria provided, single submitter (1 of 4 stars). 2 submissions from 2 submitters: Uncertain significance (1). 1 of the submissions does not count toward it. Last evaluated 2021-09-01.

Conditions:
Autosomal recessive polycystic kidney disease (ARPKD). Also called: AR polycystic kidney disease. Identifiers: Orphanet 731, Orphanet 8378, MedGen C0085548, MeSH D017044, MONDO:0009889.

Allele frequency attached by ClinVar (database versions not stated): gnomAD 0.00001; ExAC 0.00002; TOPMed 0.00002.
gnomAD v4.1: 11 of 1,613,996 alleles (0.00068%); highest among the groups gnomAD compares: African/African-American, 0.0027%; no homozygotes.

Submissions (2):

Labcorp Genetics (formerly Invitae), Labcorp
Classification: Uncertain significance for Autosomal recessive polycystic kidney disease. Last evaluated: 2021-09-01. Review status: criteria provided, single submitter. Criteria: Invitae Variant Classification Sherloc (09022015). Collection method: clinical testing. Allele origin: germline.
Comment: This sequence change replaces serine with leucine at codon 1397 of the PKHD1 protein (p.Ser1397Leu). The serine residue is weakly conserved and there is a large physicochemical difference between serine and leucine. This variant is present in population databases (rs778541098, ExAC 0.006%). This variant has not been reported in the literature in individuals affected with PKHD1-related conditions. Algorithms developed to predict the effect of missense changes on protein structure and function are either unavailable or do not agree on the potential impact of this missense change (SIFT: "Deleterious"; PolyPhen-2: "Benign"; Align-GVGD: "Class C0"). In summary, the available evidence is currently insufficient to determine the role of this variant in disease. Therefore, it has been classified as a Variant of Uncertain Significance.

Natera, Inc.
Classification: Uncertain significance for Autosomal recessive polycystic kidney disease. Last evaluated: 2018-06-19. Review status: no assertion criteria provided. Collection method: clinical testing. Allele origin: germline. Not counted in ClinVar's aggregate classification.

NM_138694.4(PKHD1):c.4190C>T (p.Ser1397Leu)

Gene: PKHD1 (PKHD1 ciliary IPT domain containing fibrocystin/polyductin; minus strand). Cytogenetic location: 6p12.2.
Variant type: single nucleotide variant.
Coding change: c.4190C>T on transcript NM_138694.4 (MANE Select); coding-DNA position 4190, C replaced by T.
Protein change: p.Ser1397Leu; replaces serine 1397 with leucine.
Molecular consequence: missense variant.
Genome position (GRCh38, 1-based): chr6:52,025,620, G>A on the plus strand (C>T on the coding strand, the complement: PKHD1 is on the minus strand). VCF-style: chr6-52025620-G-A. GRCh37 (hg19) VCF-style: chr6-51890418-G-A.
Other names: c.4190C>T, p.Ser1397Leu (NM_170724.3); short protein forms S1397L.
Identifiers: ClinVar variation 1051957 (VCV001051957.11), dbSNP rs778541098, ClinGen allele CA3852762.
Genomic context (GRCh38, chr6:52,025,620, plus strand): 5'-CTAGAGTTAAGAAGCAACCCCCTCACAGTAAGTATGGTCCCACCACATGCCGAACCCTGC[G>A]ATGGGAAGATGGCCATTATCCGAGGCATCACTGCAAATTGCTGGAGCACCACAGACATAT-3'
Protein context (NP_619639.3, residues 1387-1407): VMPRIMAIFP[Ser1397Leu]QGSACGGTIL